The following is an entry in ClinVar:

NM_006517.5(SLC16A2):c.1481T>G (p.Leu494Arg)

Gene: SLC16A2 (solute carrier family 16 member 2; plus strand). Cytogenetic location: Xq13.2.
Variant type: single nucleotide variant.
Coding change: c.1481T>G on transcript NM_006517.5 (MANE Select); coding-DNA position 1481, T replaced by G.
Protein change: p.Leu494Arg; replaces leucine 494 with arginine.
Molecular consequence: missense variant.
Genome position (GRCh38, 1-based): chrX:74,531,414, T>G. VCF-style: chrX-74531414-T-G. GRCh37 (hg19) VCF-style: chrX-73751249-T-G.
Other names: short protein forms L494R.
Identifiers: ClinVar variation 572519 (VCV000572519.8), dbSNP rs104894938, ClinGen allele CA413659004.

ClinVar aggregate classification (germline): Uncertain significance (1 of 4 stars; one submission).

Conditions:
Spastic paraplegia. Identifiers: MedGen C0037772, HP:0001258.

Submission:

Labcorp Genetics (formerly Invitae), Labcorp
Classification: Uncertain significance for Spastic paraplegia. Last evaluated: 2018-04-04. Review status: criteria provided, single submitter. Criteria: Invitae Variant Classification Sherloc (09022015). Collection method: clinical testing. Allele origin: germline.
Comment: This variant has not been reported in the literature in individuals with SLC16A2-related disease. This variant is not present in population databases (ExAC no frequency). This sequence change replaces leucine with arginine at codon 494 of the SLC16A2 protein (p.Leu494Arg). The leucine residue is highly conserved and there is a moderate physicochemical difference between leucine and arginine. Algorithms developed to predict the effect of missense changes on protein structure and function do not agree on the potential impact of this missense change (SIFT: "Deleterious"; PolyPhen-2: "Probably Damaging"; Align-GVGD: "Class C0"). In summary, the available evidence is currently insufficient to determine the role of this variant in disease. Therefore, it has been classified as a Variant of Uncertain Significance. A different missense substitution at this codon (p.Leu494Pro) has been determined to be pathogenic (PMID: 15889350, 18187543, 19648159, 25222753, 25527620, 27977298). This suggests that the leucine residue is critical for SLC16A2 protein function and that other missense substitutions at this position may also be pathogenic.

Literature cited by the submitters: PubMed 15889350; PubMed 18187543; PubMed 19648159; PubMed 25222753; PubMed 25527620; PubMed 27977298.